The following is an entry in ClinVar:

NM_006767.4(LZTR1):c.2326-7_2326-6insGA

Gene: LZTR1 (leucine zipper like post translational regulator 1; plus strand). Cytogenetic location: 22q11.21.
Variant type: Insertion.
Coding change: c.2326-7_2326-6insGA on transcript NM_006767.4 (MANE Select); 7 bases into the intron before coding-DNA position 2326 through 6 bases into the intron before coding-DNA position 2326, GA inserted.
Molecular consequence: intron variant.
Genome position: GRCh38 VCF-style: chr22-20996878-C-CAG. GRCh37 (hg19) VCF-style: chr22-21351167-C-CAG.
Identifiers: ClinVar variation 3653618 (VCV003653618.2).
Genomic context (GRCh38, chr22:20,996,878, plus strand): 5'-GTGCACATGGCTGCAGCTCCCACTGAGTGGGTGAAAGGGGCAGCGCCTCAAGGTCCCTGC[C>CAG]ATTGCAGATCCTGGAGGCAGCTGACAAAACGCAGGCACTGGACATGAAGCGGCACTGCCT-3'

ClinVar aggregate classification (germline): Uncertain significance (1 of 4 stars; one submission).

Submission:

Labcorp Genetics (formerly Invitae), Labcorp
Classification: Uncertain significance. Last evaluated: 2025-10-07. Review status: criteria provided, single submitter. Criteria: Invitae Variant Classification Sherloc (09022015). Collection method: clinical testing. Allele origin: germline.
Comment: This sequence change falls in intron 19 of the LZTR1 gene. It does not directly change the encoded amino acid sequence of the LZTR1 protein. This variant is not present in population databases (gnomAD no frequency). This variant has not been reported in the literature in individuals affected with LZTR1-related conditions. ClinVar contains an entry for this variant (Variation ID: 3653618). Algorithms developed to predict the effect of sequence changes on RNA splicing suggest that this variant may disrupt the consensus splice site. In summary, the available evidence is currently insufficient to determine the role of this variant in disease. Therefore, it has been classified as a Variant of Uncertain Significance.